The following is an entry in ClinVar:

ClinVar aggregate classification (germline): Likely benign. Review status: criteria provided, multiple submitters, no conflicts (2 of 4 stars). 5 submissions from 5 submitters: Likely benign (4). 1 of the submissions does not count toward it. Last evaluated 2026-01-27.

Conditions:
EDNRB-related disorder. Also called: EDNRB-related condition; EDNRB-related disorders.

Allele frequency attached by ClinVar (database versions not stated): ESP Exome Variant Server 0.00008; ExAC 0.00011; gnomAD exomes 0.00012 and 0.00023; gnomAD 0.00014 and 0.00017; TOPMed 0.00018; 1000 Genomes Project 0.00080; 1000 Genomes Project 30x 0.00109.
gnomAD v4.1: 219 of 1,613,002 alleles (0.014%); highest among the groups gnomAD compares: Admixed American, 0.077%; no homozygotes.

Submissions (5):

Labcorp Genetics (formerly Invitae), Labcorp
Classification: Likely benign. Last evaluated: 2026-01-27. Review status: criteria provided, single submitter. Criteria: Invitae Variant Classification Sherloc (09022015). Collection method: clinical testing. Allele origin: germline.

Blueprint Genetics
Classification: Likely benign. Last evaluated: 2024-06-20. Review status: criteria provided, single submitter. Criteria: ACMG Guidelines, 2015. Collection method: clinical testing. Allele origin: germline.

GeneDx
Classification: Likely benign. Last evaluated: 2021-03-01. Review status: criteria provided, single submitter. Criteria: GeneDx Variant Classification Process June 2021. Collection method: clinical testing. Allele origin: germline. Affected: yes.

Laboratory for Molecular Medicine, Mass General Brigham Personalized Medicine
Classification: Likely benign. Last evaluated: 2017-07-20. Review status: criteria provided, single submitter. Criteria: LMM Criteria. Collection method: clinical testing. Allele origin: germline. Observed: 1 variant allele.
Comment: p.Thr334Thr in exon 4 of EDNRB: This variant is not expected to have clinical si gnificance because it does not alter an amino acid residue and is not located wi thin the splice consensus sequence. It has been identified in 0.1% (31/34306) La tino chromosomes by the Genome Aggregation Database (gnomAD; dbSNP rs186620070).

PreventionGenetics, part of Exact Sciences
Classification: Likely benign for EDNRB-related condition. Last evaluated: 2019-09-25. Review status: no assertion criteria provided. Collection method: clinical testing. Allele origin: germline. Not counted in ClinVar's aggregate classification.
Comment: This variant is classified as likely benign based on ACMG/AMP sequence variant interpretation guidelines (Richards et al. 2015 PMID: 25741868, with internal and published modifications).

NM_001122659.3(EDNRB):c.732G>A (p.Thr244=)

Genes: EDNRB (endothelin receptor type B; minus strand), EDNRB-AS1 (EDNRB antisense RNA 1; plus strand). Cytogenetic location: 13q22.3.
Variant type: single nucleotide variant.
Coding change: c.732G>A on transcript NM_001122659.3 (MANE Select); coding-DNA position 732, G replaced by A.
Protein change: p.Thr244=; no amino-acid change (threonine 244 retained).
Molecular consequence: synonymous variant.
Genome position (GRCh38, 1-based): chr13:77,903,225, C>T on the plus strand (G>A on the coding strand, the complement: EDNRB is on the minus strand). VCF-style: chr13-77903225-C-T. GRCh37 (hg19) VCF-style: chr13-78477360-C-T.
Other names: c.732G>A, p.Thr244= (NM_000115.5, NM_003991.4); c.1002G>A, p.Thr334= (NM_001201397.2); c.732G>A (NM_000115.4).
Identifiers: ClinVar variation 504801 (VCV000504801.18), dbSNP rs186620070, ClinGen allele CA7012279.